The following is an entry in ClinVar:

NM_002184.4(IL6ST):c.2582G>T (p.Gly861Val)

Gene: IL6ST (interleukin 6 cytokine family signal transducer; minus strand). Cytogenetic location: 5q11.2.
Variant type: single nucleotide variant.
Coding change: c.2582G>T on transcript NM_002184.4 (MANE Select); coding-DNA position 2582, G replaced by T.
Protein change: p.Gly861Val; replaces glycine 861 with valine.
Molecular consequence: missense variant. On other transcripts: 3 prime UTR variant (1), non-coding transcript variant (2).
Genome position (GRCh38, 1-based): chr5:55,941,257, C>A on the plus strand (G>T on the coding strand, the complement: IL6ST is on the minus strand). VCF-style: chr5-55941257-C-A. GRCh37 (hg19) VCF-style: chr5-55237085-C-A.
Other names: c.2582G>T (NM_002184.3); c.2399G>T, p.Gly800Val (NM_001190981.2); c.2480G>T, p.Gly827Val (NM_001364275.2); c.2372G>T, p.Gly791Val (NM_001364276.2); c.1715G>T, p.Gly572Val (NM_001364277.2); c.1679G>T, p.Gly560Val (NM_001364278.2); c.1586G>T, p.Gly529Val (NM_001364279.2); c.*1509G>T (NM_175767.3); short protein forms G560V, G861V, G572V, G827V, G791V, G529V, G800V.
Identifiers: ClinVar variation 1964242 (VCV001964242.6), dbSNP rs760440573, ClinGen allele CA3271129.

ClinVar aggregate classification (germline): Uncertain significance. Review status: criteria provided, multiple submitters, no conflicts (2 of 4 stars). 2 submissions from 2 submitters: Uncertain significance (2). Last evaluated 2024-10-06.

Allele frequency attached by ClinVar (database versions not stated): gnomAD exomes below 0.00001; ExAC 0.00001.
gnomAD v4.1: 4 of 1,614,118 alleles (0.00025%); highest among the groups gnomAD compares: Middle Eastern, 0.017%; no homozygotes.

Submissions (2):

Ambry Genetics
Classification: Uncertain significance. Last evaluated: 2024-10-06. Review status: criteria provided, single submitter. Criteria: Ambry Variant Classification Scheme 2023. Collection method: clinical testing. Allele origin: germline.

Labcorp Genetics (formerly Invitae), Labcorp
Classification: Uncertain significance. Last evaluated: 2022-09-24. Review status: criteria provided, single submitter. Criteria: Invitae Variant Classification Sherloc (09022015). Collection method: clinical testing. Allele origin: germline.
Comment: This sequence change replaces glycine, which is neutral and non-polar, with valine, which is neutral and non-polar, at codon 861 of the IL6ST protein (p.Gly861Val). This variant is present in population databases (rs760440573, gnomAD 0.0009%). This variant has not been reported in the literature in individuals affected with IL6ST-related conditions. Algorithms developed to predict the effect of missense changes on protein structure and function (SIFT, PolyPhen-2, Align-GVGD) all suggest that this variant is likely to be tolerated. In summary, the available evidence is currently insufficient to determine the role of this variant in disease. Therefore, it has been classified as a Variant of Uncertain Significance.